The following is an entry in ClinVar:

ClinVar aggregate classification (germline): Likely pathogenic (1 of 4 stars; one submission).

Submission:

CeGaT Center for Human Genetics Tuebingen
Classification: Likely pathogenic. Last evaluated: 2025-07-01. Review status: criteria provided, single submitter. Criteria: CeGaT Center For Human Genetics Tuebingen Variant Classification Criteria Version 2. Collection method: clinical testing. Allele origin: germline. Affected: yes. Observed: 1 variant allele.
Comment: SYP: PVS1:Strong, PM2

NM_003179.3(SYP):c.726del (p.Lys242fs)

Gene: SYP (synaptophysin; minus strand). Cytogenetic location: Xp11.23.
Variant type: Deletion.
Coding change: c.726del on transcript NM_003179.3 (MANE Select); coding-DNA position 726, one base deleted (A; older notation c.726delA).
Protein change: p.Lys242fs; shifts the reading frame from lysine 242.
Molecular consequence: frameshift variant.
Genome position (GRCh38, 1-based): chrX:49,191,653, T deleted on the plus strand (A on the coding strand, the reverse complement: SYP is on the minus strand); the first of 3 consecutive T bases (chrX:49,191,653-49,191,655); deleting any one gives the same sequence. VCF-style (leftmost placement, unchanged base first): chrX-49191652-GT-G. GRCh37 (hg19) VCF-style: chrX-49048109-GT-G.
Other names: short protein forms K242fs.
Identifiers: ClinVar variation 4085523 (VCV004085523.8).